The following is an entry in ClinVar:

ClinVar aggregate classification (germline): Benign/Likely benign. Review status: criteria provided, multiple submitters, no conflicts (2 of 4 stars). 3 submissions from 3 submitters: Benign (1); Likely benign (1). 1 of the submissions does not count toward it. Last evaluated 2026-02-01.

Conditions:
PLXND1-related disorder. Also called: PLXND1-related condition.

Allele frequency attached by ClinVar (database versions not stated): gnomAD exomes 0.00017 and 0.00043; ExAC 0.00056; ESP Exome Variant Server 0.00177; gnomAD 0.00191 and 0.00203; TOPMed 0.00193; 1000 Genomes Project 0.00280; 1000 Genomes Project 30x 0.00297.
gnomAD v4.1: 558 of 1,613,790 alleles (0.035%); highest among the groups gnomAD compares: African/African-American, 0.63%; 1 homozygote.

Submissions (3):

CeGaT Center for Human Genetics Tuebingen
Classification: Likely benign. Last evaluated: 2026-02-01. Review status: criteria provided, single submitter. Criteria: CeGaT Center For Human Genetics Tuebingen Variant Classification Criteria Version 2. Collection method: clinical testing. Allele origin: germline. Affected: yes. Observed: 1 variant allele.
Comment: PLXND1: BP4, BP7

Labcorp Genetics (formerly Invitae), Labcorp
Classification: Benign. Last evaluated: 2019-12-31. Review status: criteria provided, single submitter. Criteria: Invitae Variant Classification Sherloc (09022015). Collection method: clinical testing. Allele origin: germline.

PreventionGenetics, part of Exact Sciences
Classification: Likely benign for PLXND1-related condition. Last evaluated: 2019-05-24. Review status: no assertion criteria provided. Collection method: clinical testing. Allele origin: germline. Not counted in ClinVar's aggregate classification.
Comment: This variant is classified as likely benign based on ACMG/AMP sequence variant interpretation guidelines (Richards et al. 2015 PMID: 25741868, with internal and published modifications).

NM_015103.3(PLXND1):c.1980C>T (p.Tyr660=)

Gene: PLXND1 (plexin D1; minus strand). Cytogenetic location: 3q22.1.
Variant type: single nucleotide variant.
Coding change: c.1980C>T on transcript NM_015103.3 (MANE Select); coding-DNA position 1980, C replaced by T.
Protein change: p.Tyr660=; no amino-acid change (tyrosine 660 retained).
Molecular consequence: synonymous variant.
Genome position (GRCh38, 1-based): chr3:129,584,434, G>A on the plus strand (C>T on the coding strand, the complement: PLXND1 is on the minus strand). VCF-style: chr3-129584434-G-A. GRCh37 (hg19) VCF-style: chr3-129303277-G-A.
Identifiers: ClinVar variation 733602 (VCV000733602.10), dbSNP rs142709463, ClinGen allele CA2609190.